The following is an entry in ClinVar:

ClinVar aggregate classification (germline): Uncertain significance (1 of 4 stars; one submission).

Submission:

GeneDx
Classification: Uncertain significance. Last evaluated: 2025-10-28. Review status: criteria provided, single submitter. Criteria: GeneDx Variant Classification Process June 2021. Collection method: clinical testing. Allele origin: germline.
Comment: In silico analysis supports that this missense variant has a deleterious effect on protein structure/function; Has not been previously published as pathogenic or benign to our knowledge

NM_194248.3(OTOF):c.2782G>T (p.Gly928Cys)

Gene: OTOF (otoferlin; minus strand). Cytogenetic location: 2p23.3.
Variant type: single nucleotide variant.
Coding change: c.2782G>T on transcript NM_194248.3 (MANE Select); coding-DNA position 2782, G replaced by T.
Protein change: p.Gly928Cys; replaces glycine 928 with cysteine.
Molecular consequence: missense variant.
Genome position (GRCh38, 1-based): chr2:26,476,212, C>A on the plus strand (G>T on the coding strand, the complement: OTOF is on the minus strand). VCF-style: chr2-26476212-C-A. GRCh37 (hg19) VCF-style: chr2-26699080-C-A.
Other names: c.2782G>T, p.Gly928Cys (NM_001287489.2); c.541G>T, p.Gly181Cys (NM_004802.4, NM_194323.3); c.712G>T, p.Gly238Cys (NM_194322.3); short protein forms G181C, G238C, G928C.
Identifiers: ClinVar variation 3375513 (VCV003375513.2).
Genomic context (GRCh38, chr2:26,476,212, plus strand): 5'-GGAAGGCATGCAGGCCCAGGCCCTGGGCTGCCTTGACCTCCTGGAAGCCACAGGGCAGGC[C>A]GCACAGGAACTCCTTGCGCTGTTTGCTGAGGCCCAGCCACAGGTACAGCTCCACCTTGGC-3'
Protein context (NP_919224.1, residues 918-938): LSKQRKEFLC[Gly928Cys]LPCGFQEVKA